The following is an entry in ClinVar:

NC_000001.11:g.(?_17018881)_(17071491_?)del

Genes: PADI2 (peptidyl arginine deiminase 2; minus strand), SDHB (succinate dehydrogenase complex iron sulfur subunit B; minus strand), LOC129929541 (ATAC-STARR-seq lymphoblastoid active region 276; plus strand), LOC129929542 (ATAC-STARR-seq lymphoblastoid active region 277; plus strand), LOC129929543 (ATAC-STARR-seq lymphoblastoid active region 278; plus strand). Cytogenetic location: 1p36.13.
Variant type: Deletion.
Identifiers: ClinVar variation 584021 (VCV000584021.1).

ClinVar aggregate classification (germline): Pathogenic (1 of 4 stars; one submission).

Conditions:
Pheochromocytoma. Also called: MAX-Related Hereditary Paraganglioma-Pheochromocytoma Syndrome. Identifiers: Orphanet 29072, MedGen C0031511, MONDO:0008233, OMIM 171300, HP:0002666.
Pheochromocytoma/paraganglioma syndrome 4. Also called: PARAGANGLIOMA, FAMILIAL MALIGNANT; PARAGANGLIOMAS, HEREDITARY EXTRAADRENAL; PHEOCHROMOCYTOMA, FAMILIAL EXTRAADRENAL; SDHB-Related Hereditary Paraganglioma-Pheochromocytoma Syndrome (Paragangliomas 4); CAROTID BODY TUMORS AND MULTIPLE EXTRAADRENAL PHEOCHROMOCYTOMAS; SDHB-Related Hereditary Paraganglioma-Pheochromocytoma Syndrome. Identifiers: Orphanet 29072, MedGen C1861848, MONDO:0007273, OMIM 115310.
Gastrointestinal stromal tumor. Also called: Gastrointestinal stromal tumor, somatic; Gastrointestinal stroma tumor. Identifiers: Orphanet 44890, MedGen C0238198, MeSH D046152, MONDO:0011719, OMIM 606764, HP:0100723.

Submission:

Labcorp Genetics (formerly Invitae), Labcorp
Classification: Pathogenic for Gastrointestinal stroma tumor; Paragangliomas 4; Pheochromocytoma. Last evaluated: 2018-05-31. Review status: criteria provided, single submitter. Criteria: Invitae Variant Classification Sherloc (09022015). Collection method: clinical testing. Allele origin: germline.
Comment: A gross deletion of the genomic region encompassing the full coding sequence of the SDHB gene has been identified. The boundaries of this event are unknown as the deletion extends beyond the assayed region for this gene and therefore may encompass additional genes. Gross deletions in SDHB are known to be pathogenic (PMID: 23666964, 19351833). While the boundaries of this deletion are not known, similar deletions encompassing the whole SDHB coding region have been reported in individuals affected with paraganglioma (PMID: 16258955, 19351833). For these reasons, this variant has been classified as Pathogenic.

Literature cited by the submitters: PubMed 16258955; PubMed 23666964; PubMed 19351833.